The following is an entry in ClinVar:

NM_000069.3(CACNA1S):c.5556G>A (p.Gly1852=)

Gene: CACNA1S (calcium voltage-gated channel subunit alpha1 S; minus strand). Cytogenetic location: 1q32.1.
Variant type: single nucleotide variant.
Coding change: c.5556G>A on transcript NM_000069.3 (MANE Select); coding-DNA position 5556, G replaced by A.
Protein change: p.Gly1852=; no amino-acid change (glycine 1852 retained).
Molecular consequence: synonymous variant.
Genome position (GRCh38, 1-based): chr1:201,039,897, C>T on the plus strand (G>A on the coding strand, the complement: CACNA1S is on the minus strand). VCF-style: chr1-201039897-C-T. GRCh37 (hg19) VCF-style: chr1-201009025-C-T.
Other names: c.5556G>A (NM_000069.2).
Identifiers: ClinVar variation 1585283 (VCV001585283.11), dbSNP rs746057386, ClinGen allele CA35988869.

ClinVar aggregate classification (germline): Likely benign. Review status: criteria provided, multiple submitters, no conflicts (2 of 4 stars). 4 submissions from 4 submitters: Likely benign (3). 1 of the submissions does not count toward it. Last evaluated 2025-09-05.

Conditions:
Hypokalemic periodic paralysis, type 1. Also called: HypoPP; Hypokalemic Periodic Paralysis Type 1 (AD). Identifiers: Orphanet 681, MedGen C3714580, MONDO:0042979, OMIM 170400.
Malignant hyperthermia, susceptibility to, 5 (MHS5). Also called: CACNA1S-Related Malignant Hyperthermia Susceptibility. Identifiers: Orphanet 423, MedGen C1866077, MONDO:0011163, OMIM 601887.
CACNA1S-related disorder. Also called: CACNA1S-related condition.

Allele frequency attached by ClinVar (database versions not stated): gnomAD 0.00001; gnomAD exomes 0.00001; TOPMed 0.00002.
gnomAD v4.1: 83 of 1,613,238 alleles (0.0051%); highest among the groups gnomAD compares: Non-Finnish European, 0.0068%; no homozygotes.

Submissions (4):

Labcorp Genetics (formerly Invitae), Labcorp
Classification: Likely benign for Hypokalemic periodic paralysis, type 1; Malignant hyperthermia, susceptibility to, 5. Last evaluated: 2025-09-05. Review status: criteria provided, single submitter. Criteria: Invitae Variant Classification Sherloc (09022015). Collection method: clinical testing. Allele origin: germline.

Color Diagnostics, LLC DBA Color Health
Classification: Likely benign for Malignant hyperthermia, susceptibility to, 5. Last evaluated: 2022-11-06. Review status: criteria provided, single submitter. Criteria: ACMG Guidelines, 2015. Collection method: clinical testing. Allele origin: germline.

Blueprint Genetics
Classification: Likely benign. Last evaluated: 2022-06-03. Review status: criteria provided, single submitter. Criteria: ACMG Guidelines, 2015. Collection method: clinical testing. Allele origin: germline.

PreventionGenetics, part of Exact Sciences
Classification: Likely benign for CACNA1S-related condition. Last evaluated: 2019-04-24. Review status: no assertion criteria provided. Collection method: clinical testing. Allele origin: germline. Not counted in ClinVar's aggregate classification.
Comment: This variant is classified as likely benign based on ACMG/AMP sequence variant interpretation guidelines (Richards et al. 2015 PMID: 25741868, with internal and published modifications).